The following is an entry in ClinVar:

ClinVar aggregate classification (germline): Pathogenic. Review status: reviewed by expert panel (3 of 4 stars). 2 submissions from 2 submitters: Pathogenic (1). 1 of the submissions does not count toward it. Last evaluated 2016-10-18.

Conditions:
Breast-ovarian cancer, familial, susceptibility to, 1 (BROVCA1). Also called: BRCA1 Hereditary Breast and Ovarian Cancer; OVARIAN CANCER, SUSCEPTIBILITY TO. Identifiers: Orphanet 145, MedGen C2676676, MONDO:0011450, OMIM 604370. Disease mechanism: loss of function.

Submissions (2):

Evidence-based Network for the Interpretation of Germline Mutant Alleles (ENIGMA)
Classification: Pathogenic for Breast-ovarian cancer, familial, susceptibility to, 1. Last evaluated: 2016-10-18. Review status: reviewed by expert panel. Criteria: ENIGMA BRCA1/2 Classification Criteria (2015). Collection method: curation. Allele origin: germline.
Comment: Variant allele predicted to encode a truncated non-functional protein.

Consortium of Investigators of Modifiers of BRCA1/2 (CIMBA), c/o University of Cambridge
Classification: Pathogenic for Breast-ovarian cancer, familial, susceptibility to, 1. Last evaluated: 2015-10-02. Review status: criteria provided, single submitter. Criteria: CIMBA Mutation Classification guidelines May 2016. Collection method: clinical testing. Allele origin: germline. Not counted in ClinVar's aggregate classification.

NM_007294.4(BRCA1):c.3587dup (p.His1197fs)

Genes: BRCA1 (BRCA1 DNA repair associated; minus strand), LOC126862571 (BRD4-independent group 4 enhancer GRCh37_chr17:41243136-41244335; plus strand). Cytogenetic location: 17q21.31.
Variant type: Duplication.
Coding change: c.3587dup on transcript NM_007294.4 (MANE Select); coding-DNA position 3587, one base duplicated (C; older notation c.3587dupC).
Protein change: p.His1197fs; shifts the reading frame from histidine 1197.
Molecular consequence: frameshift variant. On other transcripts: intron variant (135).
Genome position (GRCh38, 1-based): chr17:43,091,944, G duplicated on the plus strand (C on the coding strand, the reverse complement: BRCA1 is on the minus strand). VCF-style (leftmost placement, unchanged base first): chr17-43091943-T-TG. GRCh37 (hg19) VCF-style: chr17-41243960-T-TG.
Other names: 3705insC; c.3584dup, p.His1196fs (NM_001407634.1, NM_001407635.1, NM_001407636.1 and 22 more transcripts); c.3587dup, p.His1197fs (NM_001407639.1, NM_001407640.1, NM_001407641.1 and 30 more transcripts); c.3578dup, p.His1194fs (NM_001407646.1, NM_001407647.1); c.3464dup, p.His1156fs (NM_001407648.1, NM_001407664.1, NM_001407665.1 and 19 more transcripts); c.3461dup, p.His1155fs (NM_001407649.1, NM_001407670.1, NM_001407671.1 and 11 more transcripts); c.3509dup, p.His1171fs (NM_001407653.1, NM_001407654.1, NM_001407655.1 and 4 more transcripts); c.3506dup, p.His1170fs (NM_001407659.1, NM_001407660.1, NM_001407661.1 and 1 more transcripts); and 42 more; short protein forms H1150fs, H1197fs, H1085fs, H1086fs, H1109fs, H1127fs, H1194fs, H329fs.
Identifiers: ClinVar variation 266389 (VCV000266389.6), dbSNP rs886040148, ClinGen allele CA10589738.